The following is an entry in ClinVar:

ClinVar aggregate classification (germline): Uncertain significance. Review status: criteria provided, multiple submitters, no conflicts (2 of 4 stars). 2 submissions from 2 submitters: Uncertain significance (2). Last evaluated 2025-12-04.

Conditions:
Primary ciliary dyskinesia. Also called: Ciliary dyskinesia. Identifiers: Orphanet 244, MedGen C0008780, MONDO:0016575, HP:0012265.

Allele frequency attached by ClinVar (database versions not stated): gnomAD exomes below 0.00001; TOPMed below 0.00001; ExAC 0.00001; gnomAD 0.00001.
gnomAD v4.1: 13 of 1,609,812 alleles (0.00081%); highest among the groups gnomAD compares: Admixed American, 0.02%; no homozygotes.

Submissions (2):

Ambry Genetics
Classification: Uncertain significance. Last evaluated: 2025-12-04. Review status: criteria provided, single submitter. Criteria: Ambry Variant Classification Scheme 2023. Collection method: clinical testing. Allele origin: germline.

Labcorp Genetics (formerly Invitae), Labcorp
Classification: Uncertain significance for Primary ciliary dyskinesia. Last evaluated: 2022-08-09. Review status: criteria provided, single submitter. Criteria: Invitae Variant Classification Sherloc (09022015). Collection method: clinical testing. Allele origin: germline.
Comment: This sequence change replaces threonine, which is neutral and polar, with alanine, which is neutral and non-polar, at codon 4213 of the DNAH8 protein (p.Thr4213Ala). This variant is present in population databases (rs757129008, gnomAD 0.004%). This variant has not been reported in the literature in individuals affected with DNAH8-related conditions. ClinVar contains an entry for this variant (Variation ID: 951703). Algorithms developed to predict the effect of missense changes on protein structure and function are either unavailable or do not agree on the potential impact of this missense change (SIFT: "Deleterious"; PolyPhen-2: "Not Available"; Align-GVGD: "Class C55"). In summary, the available evidence is currently insufficient to determine the role of this variant in disease. Therefore, it has been classified as a Variant of Uncertain Significance.

NM_001206927.2(DNAH8):c.12637A>G (p.Thr4213Ala)

Gene: DNAH8 (dynein axonemal heavy chain 8; plus strand). Cytogenetic location: 6p21.2.
Variant type: single nucleotide variant.
Coding change: c.12637A>G on transcript NM_001206927.2 (MANE Select); coding-DNA position 12637, A replaced by G.
Protein change: p.Thr4213Ala; replaces threonine 4213 with alanine.
Molecular consequence: missense variant.
Genome position (GRCh38, 1-based): chr6:38,973,772, A>G. VCF-style: chr6-38973772-A-G. GRCh37 (hg19) VCF-style: chr6-38941548-A-G.
Other names: c.11986A>G, p.Thr3996Ala (NM_001371.4); short protein forms T4213A, T3996A.
Identifiers: ClinVar variation 951703 (VCV000951703.7), dbSNP rs757129008, ClinGen allele CA3791415.
Genomic context (GRCh38, chr6:38,973,772, plus strand): 5'-GAATTACTAGAGACGCTAATTACCACTGAAGCCAGTGATGATTCTTTCCGAGTATGGATA[A>G]CTACGGAGCCCCATGATCGATTTCCAATTACATTGCTTCAGGTTTGTTACTAAACGTCTT-3'
Protein context (NP_001193856.1, residues 4203-4223): ASDDSFRVWI[Thr4213Ala]TEPHDRFPIT